The following is an entry in ClinVar:

ClinVar aggregate classification (germline): Likely benign. Review status: criteria provided, multiple submitters, no conflicts (2 of 4 stars). 2 submissions from 2 submitters: Likely benign (2). Last evaluated 2025-12-01.

Conditions:
Brody myopathy. Also called: BRODY DISEASE. Identifiers: Orphanet 53347, MedGen C1832918, MONDO:0010977, OMIM 601003.

Allele frequency attached by ClinVar (database versions not stated): gnomAD exomes 0.00004 and 0.00010; ExAC 0.00006; gnomAD 0.00010 and 0.00011; TOPMed 0.00018.

Submissions (2):

CeGaT Center for Human Genetics Tuebingen
Classification: Likely benign. Last evaluated: 2025-12-01. Review status: criteria provided, single submitter. Criteria: CeGaT Center For Human Genetics Tuebingen Variant Classification Criteria Version 2. Collection method: clinical testing. Allele origin: germline. Affected: yes. Observed: 1 variant allele.
Comment: ATP2A1: BP4, BP7

Labcorp Genetics (formerly Invitae), Labcorp
Classification: Likely benign for Brody myopathy. Last evaluated: 2025-06-05. Review status: criteria provided, single submitter. Criteria: Invitae Variant Classification Sherloc (09022015). Collection method: clinical testing. Allele origin: germline.

NM_004320.6(ATP2A1):c.1713G>A (p.Pro571=)

Gene: ATP2A1 (ATPase sarcoplasmic/endoplasmic reticulum Ca2+ transporting 1; plus strand). Cytogenetic location: 16p11.2.
Variant type: single nucleotide variant.
Coding change: c.1713G>A on transcript NM_004320.6 (MANE Select); coding-DNA position 1713, G replaced by A.
Protein change: p.Pro571=; no amino-acid change (proline 571 retained).
Molecular consequence: synonymous variant.
Genome position (GRCh38, 1-based): chr16:28,898,400, G>A. VCF-style: chr16-28898400-G-A. GRCh37 (hg19) VCF-style: chr16-28909721-G-A.
Other names: c.1338G>A, p.Pro446= (NM_001286075.2); c.1713G>A, p.Pro571= (NM_173201.5).
Identifiers: ClinVar variation 1155896 (VCV001155896.14), dbSNP rs554250074, ClinGen allele CA7987060.
Genomic context (GRCh38, chr16:28,898,400, plus strand): 5'-GTGGGGCACTGGCCGGGACACCCTGCGCTGCTTGGCCCTGGCCACCCGGGACACCCCCCC[G>A]AAGCGAGAGGAAATGGTCCTGGATGACTCTGCCAGGTTCCTGGAGTATGAGGTAAGCAGC-3'
Protein context (NP_004311.1, residues 561-581): CLALATRDTP[Pro571=]KREEMVLDDS